The following is an entry in ClinVar:

ClinVar aggregate classification (germline): Pathogenic (1 of 4 stars; one submission).

Conditions:
Primary ciliary dyskinesia. Also called: Ciliary dyskinesia. Identifiers: Orphanet 244, MedGen C0008780, MONDO:0016575, HP:0012265.

Allele frequency attached by ClinVar (database versions not stated): gnomAD exomes below 0.00001.

Submission:

Labcorp Genetics (formerly Invitae), Labcorp
Classification: Pathogenic for Primary ciliary dyskinesia. Last evaluated: 2024-09-23. Review status: criteria provided, single submitter. Criteria: Invitae Variant Classification Sherloc (09022015). Collection method: clinical testing. Allele origin: germline.
Comment: This sequence change results in a frameshift in the CCDC40 gene (p.Glu1096Glyfs*90). While this is not anticipated to result in nonsense mediated decay, it is expected to disrupt the last 47 amino acid(s) of the CCDC40 protein and extend the protein by 42 additional amino acid residues. This variant is not present in population databases (gnomAD no frequency). This variant has not been reported in the literature in individuals affected with CCDC40-related conditions. ClinVar contains an entry for this variant (Variation ID: 632291). This variant disrupts a region of the CCDC40 protein in which other variant(s) (p.Gln1120*) have been determined to be pathogenic (PMID: 30067075; internal data). This suggests that this is a clinically significant region of the protein, and that variants that disrupt it are likely to be disease-causing. For these reasons, this variant has been classified as Pathogenic.

Literature cited by the submitters: PubMed 30067075.

NM_017950.4(CCDC40):c.3284dup (p.Glu1096fs)

Gene: CCDC40 (coiled-coil domain 40 molecular ruler complex subunit; plus strand). Cytogenetic location: 17q25.3.
Variant type: Duplication.
Coding change: c.3284dup on transcript NM_017950.4 (MANE Select); coding-DNA position 3284, one base duplicated (T; older notation c.3284dupT).
Protein change: p.Glu1096fs; shifts the reading frame from glutamic acid 1096.
Molecular consequence: frameshift variant.
Genome position (GRCh38, 1-based): chr17:80,099,630, T duplicated. VCF-style (leftmost placement, unchanged base first): chr17-80099629-C-CT. GRCh37 (hg19) VCF-style: chr17-78073428-C-CT.
Other names: short protein forms E1096fs.
Identifiers: ClinVar variation 632291 (VCV000632291.6), dbSNP rs1567819753, ClinGen allele CA913191149.